The following is an entry in ClinVar:

NM_024548.4(CEP97):c.2216C>A (p.Thr739Lys)

Gene: CEP97 (centrosomal protein 97; plus strand). Cytogenetic location: 3q12.3.
Variant type: single nucleotide variant.
Coding change: c.2216C>A on transcript NM_024548.4 (MANE Select); coding-DNA position 2216, C replaced by A.
Protein change: p.Thr739Lys; replaces threonine 739 with lysine.
Molecular consequence: missense variant.
Genome position (GRCh38, 1-based): chr3:101,765,169, C>A. VCF-style: chr3-101765169-C-A. GRCh37 (hg19) VCF-style: chr3-101484013-C-A.
Other names: c.2039C>A, p.Thr680Lys (NM_001303401.2); c.2114C>A, p.Thr705Lys (NM_001410784.1); c.1937C>A, p.Thr646Lys (NM_001410785.1); short protein forms T705K, T739K, T646K, T680K.
Identifiers: ClinVar variation 2967025 (VCV002967025.3), dbSNP rs543071884, ClinGen allele CA2522291.

ClinVar aggregate classification (germline): Uncertain significance (1 of 4 stars; one submission).

Allele frequency attached by ClinVar (database versions not stated): ExAC 0.00002; gnomAD 0.00005; 1000 Genomes Project 0.00060; 1000 Genomes Project 30x 0.00062.
gnomAD v4.1: 11 of 1,614,188 alleles (0.00068%); highest among the groups gnomAD compares: African/African-American, 0.012%; no homozygotes.

Submission:

Labcorp Genetics (formerly Invitae), Labcorp
Classification: Uncertain significance. Last evaluated: 2024-04-10. Review status: criteria provided, single submitter. Criteria: Invitae Variant Classification Sherloc (09022015). Collection method: clinical testing. Allele origin: germline.
Comment: This sequence change replaces threonine, which is neutral and polar, with lysine, which is basic and polar, at codon 739 of the CEP97 protein (p.Thr739Lys). This variant is present in population databases (rs543071884, gnomAD 0.01%). This variant has not been reported in the literature in individuals affected with CEP97-related conditions. Advanced modeling of protein sequence and biophysical properties (such as structural, functional, and spatial information, amino acid conservation, physicochemical variation, residue mobility, and thermodynamic stability) performed at Invitae indicates that this missense variant is not expected to disrupt CEP97 protein function with a negative predictive value of 80%. In summary, the available evidence is currently insufficient to determine the role of this variant in disease. Therefore, it has been classified as a Variant of Uncertain Significance.